The following is an entry in ClinVar:

ClinVar aggregate classification (germline): Benign/Likely benign. Review status: criteria provided, multiple submitters, no conflicts (2 of 4 stars). 5 submissions from 5 submitters: Benign (2); Likely benign (2). 1 of the submissions does not count toward it. Last evaluated 2026-08-01.

Conditions:
GTF2IRD1-related disorder. Also called: GTF2IRD1-related condition.

Allele frequency attached by ClinVar (database versions not stated): gnomAD exomes 0.00044 and 0.00092; ExAC 0.00166; gnomAD 0.00293 and 0.00308; 1000 Genomes Project 30x 0.00297; 1000 Genomes Project 0.00300; ESP Exome Variant Server 0.00324; TOPMed 0.00338.
gnomAD v4.1: 1,129 of 1,596,838 alleles (0.071%); highest among the groups gnomAD compares: African/African-American, 1.1%; 4 homozygotes.

Submissions (5):

CeGaT Center for Human Genetics Tuebingen
Classification: Likely benign. Last evaluated: 2026-08-01. Review status: criteria provided, single submitter. Criteria: CeGaT Center For Human Genetics Tuebingen Variant Classification Criteria Version 2. Collection method: clinical testing. Allele origin: germline. Affected: yes. Observed: 3 variant alleles.
Comment: GTF2IRD1: BP4, BP7, BS1

Blueprint Genetics
Classification: Likely benign. Last evaluated: 2024-11-27. Review status: criteria provided, single submitter. Criteria: ACMG Guidelines, 2015. Collection method: clinical testing. Allele origin: germline.

Labcorp Genetics (formerly Invitae), Labcorp
Classification: Benign. Last evaluated: 2019-12-31. Review status: criteria provided, single submitter. Criteria: Invitae Variant Classification Sherloc (09022015). Collection method: clinical testing. Allele origin: germline.

Breakthrough Genomics
Classification: Benign. Review status: criteria provided, single submitter. Criteria: ACMG Guidelines, 2015. Collection method: not provided. Allele origin: germline. Inheritance: Unknown mechanism. Affected: yes.

PreventionGenetics, part of Exact Sciences
Classification: Benign for GTF2IRD1-related condition. Last evaluated: 2019-02-26. Review status: no assertion criteria provided. Collection method: clinical testing. Allele origin: germline. Not counted in ClinVar's aggregate classification.
Comment: This variant is classified as benign based on ACMG/AMP sequence variant interpretation guidelines (Richards et al. 2015 PMID: 25741868, with internal and published modifications).

NM_005685.4(GTF2IRD1):c.441C>G (p.Ala147=)

Gene: GTF2IRD1 (GTF2I repeat domain containing 1; plus strand). Cytogenetic location: 7q11.23.
Variant type: single nucleotide variant.
Coding change: c.441C>G on transcript NM_005685.4 (MANE Select); coding-DNA position 441, C replaced by G.
Protein change: p.Ala147=; no amino-acid change (alanine 147 retained).
Molecular consequence: synonymous variant.
Genome position (GRCh38, 1-based): chr7:74,518,158, C>G. VCF-style: chr7-74518158-C-G. GRCh37 (hg19) VCF-style: chr7-73932488-C-G.
Other names: c.537C>G (NM_001199207.1); c.537C>G, p.Ala179= (NM_001199207.2); c.441C>G, p.Ala147= (NM_016328.3).
Identifiers: ClinVar variation 733730 (VCV000733730.31), dbSNP rs112098981, ClinGen allele CA4296510.